The following is an entry in ClinVar:

ClinVar aggregate classification (germline): Benign. Review status: criteria provided, multiple submitters, no conflicts (2 of 4 stars). 4 submissions from 4 submitters: Benign (4). Last evaluated 2026-01-16.

Conditions:
Cataract 6 multiple types. Also called: CATARACT, AGE-RELATED CORTICAL, 2; CATARACT 6, POSTERIOR POLAR; CATARACT 6, CONGENITAL TOTAL. Identifiers: Orphanet 91492, MedGen C1861825, MONDO:0007288, OMIM 116600.

Allele frequency attached by ClinVar (database versions not stated): gnomAD exomes 0.00322 and 0.00894; ExAC 0.01065; gnomAD 0.03351 and 0.03581; TOPMed 0.03791; ESP Exome Variant Server 0.03883; 1000 Genomes Project 0.03934; 1000 Genomes Project 30x 0.04154.
gnomAD v4.1: 10,051 of 1,613,644 alleles (0.62%); highest among the groups gnomAD compares: African/African-American, 11%; 520 homozygotes.

Submissions (4):

Labcorp Genetics (formerly Invitae), Labcorp
Classification: Benign for Cataract 6 multiple types. Last evaluated: 2026-01-16. Review status: criteria provided, single submitter. Criteria: Invitae Variant Classification Sherloc (09022015). Collection method: clinical testing. Allele origin: germline.

GeneDx
Classification: Benign. Last evaluated: 2018-05-31. Review status: criteria provided, single submitter. Criteria: GeneDx Variant Classification (06012015). Collection method: clinical testing. Allele origin: germline. Affected: yes.
Comment: This variant is considered likely benign or benign based on one or more of the following criteria: it is a conservative change, it occurs at a poorly conserved position in the protein, it is predicted to be benign by multiple in silico algorithms, and/or has population frequency not consistent with disease.

Illumina Laboratory Services, Illumina
Classification: Benign for Cataract 6 multiple types. Last evaluated: 2018-01-12. Review status: criteria provided, single submitter. Criteria: ICSL Variant Classification Criteria 13 December 2019. Collection method: clinical testing. Allele origin: germline.
Comment: This variant was observed in the ICSL laboratory as part of a predisposition screen in an ostensibly healthy population. It had not been previously curated by ICSL or reported in the Human Gene Mutation Database (HGMD: prior to June 1st, 2018), and was therefore a candidate for classification through an automated scoring system. Utilizing variant allele frequency, disease prevalence and penetrance estimates, and inheritance mode, an automated score was calculated to assess if this variant is too frequent to cause the disease. Based on the score and internal cut-off values, a variant classified as benign is not then subjected to further curation. The score for this variant resulted in a classification of benign for this disease.

Breakthrough Genomics
Classification: Benign. Review status: criteria provided, single submitter. Criteria: ACMG Guidelines, 2015. Collection method: not provided. Allele origin: germline. Inheritance: Autosomal dominant inheritance. Affected: yes.

NM_004431.5(EPHA2):c.2034A>G (p.Leu678=)

Gene: EPHA2 (EPH receptor A2; minus strand). Cytogenetic location: 1p36.13.
Variant type: single nucleotide variant.
Coding change: c.2034A>G on transcript NM_004431.5 (MANE Select); coding-DNA position 2034, A replaced by G.
Protein change: p.Leu678=; no amino-acid change (leucine 678 retained).
Molecular consequence: synonymous variant.
Genome position (GRCh38, 1-based): chr1:16,133,199, T>C on the plus strand (A>G on the coding strand, the complement: EPHA2 is on the minus strand). VCF-style: chr1-16133199-T-C. GRCh37 (hg19) VCF-style: chr1-16459694-T-C.
Other names: c.1872A>G, p.Leu624= (NM_001329090.2).
Identifiers: ClinVar variation 293415 (VCV000293415.16), dbSNP rs2230598, ClinGen allele CA624975.
Genomic context (GRCh38, chr1:16,133,199, plus strand): 5'-TGGCCCCTCTCCACCCAGTGTGGGCAGGCCCCAAGCCTCACATTTGGAGATGACGCCCTC[T>C]AGGCGGATGATGTTGTGGTGGCTGAACTGGCCCATGATGCCGGCCTCGCCGAGGAAGTCC-3'
Protein context (NP_004422.2, residues 668-688): GQFSHHNIIR[Leu678=]EGVISKYKPM